The following is an entry in ClinVar:

ClinVar aggregate classification (germline): Pathogenic (1 of 4 stars; one submission).

Conditions:
Compton-North congenital myopathy (CMYO12). Identifiers: Orphanet 210163, MedGen C2675527, MONDO:0012929, OMIM 612540.

Submission:

Labcorp Genetics (formerly Invitae), Labcorp
Classification: Pathogenic for Compton-North congenital myopathy. Last evaluated: 2021-03-16. Review status: criteria provided, single submitter. Criteria: Invitae Variant Classification Sherloc (09022015). Collection method: clinical testing. Allele origin: germline.
Comment: For these reasons, this variant has been classified as Pathogenic. This variant has not been reported in the literature in individuals with CNTN1-related conditions. This variant is not present in population databases (ExAC no frequency). This sequence change creates a premature translational stop signal (p.Val539Phefs*8) in the CNTN1 gene. It is expected to result in an absent or disrupted protein product. Loss-of-function variants in CNTN1 are known to be pathogenic (PMID: 19026398, 22242131).

Literature cited by the submitters: PubMed 19026398; PubMed 22242131.

NM_001843.4(CNTN1):c.1615del (p.Val539fs)

Gene: CNTN1 (contactin 1; plus strand). Cytogenetic location: 12q12.
Variant type: Deletion.
Coding change: c.1615del on transcript NM_001843.4 (MANE Select); coding-DNA position 1615, one base deleted (G; older notation c.1615delG).
Protein change: p.Val539fs; shifts the reading frame from valine 539.
Molecular consequence: frameshift variant.
Genome position (GRCh38, 1-based): chr12:40,944,102, G deleted. VCF-style (leftmost placement, unchanged base first): chr12-40944101-TG-T. GRCh37 (hg19) VCF-style: chr12-41337903-TG-T.
Other names: c.1615del, p.Val539fs (NM_001256063.2, NM_001256064.2); c.1582del, p.Val528fs (NM_175038.2); short protein forms V539fs, V528fs.
Identifiers: ClinVar variation 1445514 (VCV001445514.6), dbSNP rs2136952659, ClinGen allele CA2573148809.